The following is an entry in ClinVar:

ClinVar aggregate classification (germline): Conflicting classifications of pathogenicity. Review status: criteria provided, conflicting classifications (1 of 4 stars). 2 submissions from 2 submitters: Uncertain significance (1); Likely benign (1). Last evaluated 2025-10-27.

Conditions:
Familial thoracic aortic aneurysm and aortic dissection (TAAD). Also called: Thoracic aortic aneurysms and dissections. Identifiers: Orphanet 91387, MedGen C4707243, MONDO:0019625.

gnomAD v4.1: 14 of 1,613,732 alleles (0.00087%); highest among the groups gnomAD compares: Admixed American, 0.022%; no homozygotes.

Submissions (2):

Women's Health and Genetics/Laboratory Corporation of America, LabCorp
Classification: Uncertain significance. Last evaluated: 2025-10-27. Review status: criteria provided, single submitter. Criteria: LabCorp Variant Classification Summary - May 2015. Collection method: clinical testing. Allele origin: germline.
Comment: Variant summary: PLOD1 c.1420C>T (p.His474Tyr) results in a conservative amino acid change in the encoded protein sequence. Algorithms developed to predict the effect of missense changes on protein structure and function all suggest that this variant is likely to be tolerated. The variant allele was found at a frequency of 5.2e-05 in 251274 control chromosomes, predominantly at a frequency of 0.00038 within the Latino subpopulation in the gnomAD database. This frequency is not significantly higher than estimated for disease-causing variants in PLOD1, allowing no conclusion about variant significance. To our knowledge, no occurrence of c.1420C>T in individuals affected with PLOD1-related conditions and no experimental evidence demonstrating its impact on protein function have been reported. ClinVar contains an entry for this variant (Variation ID: 3420919). Based on the evidence outlined above, the variant was classified as uncertain significance.

Ambry Genetics
Classification: Likely benign for Familial thoracic aortic aneurysm and aortic dissection. Last evaluated: 2024-11-23. Review status: criteria provided, single submitter. Criteria: Ambry Variant Classification Scheme 2023. Collection method: clinical testing. Allele origin: germline.

NM_000302.4(PLOD1):c.1420C>T (p.His474Tyr)

Gene: PLOD1 (procollagen-lysine,2-oxoglutarate 5-dioxygenase 1; plus strand). Cytogenetic location: 1p36.22.
Variant type: single nucleotide variant.
Coding change: c.1420C>T on transcript NM_000302.4 (MANE Select); coding-DNA position 1420, C replaced by T.
Protein change: p.His474Tyr; replaces histidine 474 with tyrosine.
Molecular consequence: missense variant.
Genome position (GRCh38, 1-based): chr1:11,964,735, C>T. VCF-style: chr1-11964735-C-T. GRCh37 (hg19) VCF-style: chr1-12024792-C-T.
Other names: c.1561C>T, p.His521Tyr (NM_001316320.2); short protein forms H474Y, H521Y.
Identifiers: ClinVar variation 3420919 (VCV003420919.3).
Genomic context (GRCh38, chr1:11,964,735, plus strand): 5'-ATCTACTTGATCAAGGGCAGTGCCCTGCGGGGTGAGCTGCAGTCCTCAGATCTCTTCCAC[C>T]ACAGCAAGCTGGACCCCGACATGGCCTTCTGTGCCAACATCCGGCAGCAGGTCAGCCAGG-3'
Protein context (NP_000293.2, residues 464-484): GELQSSDLFH[His474Tyr]SKLDPDMAFC